The following is an entry in ClinVar:

NM_005726.6(TSFM):c.57+2T>A

Gene: TSFM (Ts translation elongation factor, mitochondrial; plus strand). Cytogenetic location: 12q14.1.
Variant type: single nucleotide variant.
Coding change: c.57+2T>A on transcript NM_005726.6 (MANE Select); the canonical splice donor site of the intron after coding-DNA position 57, T replaced by A.
Molecular consequence: splice donor variant.
Genome position (GRCh38, 1-based): chr12:57,782,860, T>A. VCF-style: chr12-57782860-T-A. GRCh37 (hg19) VCF-style: chr12-58176643-T-A.
Other names: c.57+2T>A (NM_001172697.2, NM_001172696.2, NM_001172695.2).
Identifiers: ClinVar variation 4814682 (VCV004814682.1).

ClinVar aggregate classification (germline): Likely pathogenic (1 of 4 stars; one submission).

Conditions:
Fatal mitochondrial disease due to combined oxidative phosphorylation defect type 3. Also called: Combined oxidative phosphorylation deficiency 3; ENCEPHALOMYOPATHY, RESPIRATORY FAILURE, AND LACTIC ACIDOSIS. Identifiers: Orphanet 168566, MedGen C1864840, MONDO:0012512, OMIM 610505.

Submission:

Natera, Inc.
Classification: Likely pathogenic for Combined oxidative phosphorylation deficiency 3. Last evaluated: 2025-11-10. Review status: criteria provided, single submitter. Criteria: Natera Variant Classification Schema (03/2026). Collection method: clinical testing. Allele origin: germline.
Comment: The c.57+2T>A variant in TSFM is a canonical splice donor site variant predicted to affect pre-mRNA splicing, which may result in an abnormal transcript and altered protein product. This variant is expected to result in nonsense mediated decay, truncation, or a dysfunctional protein product. This variant is rare in the general population with a frequency below the threshold expected for the associated phenotype(s). Given the available evidence, this variant is classified as Likely Pathogenic.